The following is an entry in ClinVar:

ClinVar aggregate classification (germline): Pathogenic (1 of 4 stars; one submission).

Conditions:
Autosomal dominant epilepsy with auditory features. Identifiers: Orphanet 101046, MedGen C1838062, MONDO:0010898.

gnomAD v4.1: 1 of 1,613,534 alleles (0.000062%); highest among the groups gnomAD compares: Non-Finnish European, 0.000085%; no homozygotes.

Submission:

Labcorp Genetics (formerly Invitae), Labcorp
Classification: Pathogenic for Autosomal dominant epilepsy with auditory features. Last evaluated: 2017-09-26. Review status: criteria provided, single submitter. Criteria: Invitae Variant Classification Sherloc (09022015). Collection method: clinical testing. Allele origin: germline.
Comment: For these reasons, this variant has been classified as Pathogenic. Loss-of-function variants in LGI1 are known to be pathogenic (PMID: 24206907). This variant has not been reported in the literature in individuals with LGI1-related disease. This variant is not present in population databases (ExAC no frequency). This sequence change creates a premature translational stop signal (p.Ser129*) in the LGI1 gene. It is expected to result in an absent or disrupted protein product.

Literature cited by the submitters: PubMed 24206907.

NM_005097.4(LGI1):c.386C>G (p.Ser129Ter)

Gene: LGI1 (leucine rich glioma inactivated 1; plus strand). Cytogenetic location: 10q23.33.
Variant type: single nucleotide variant.
Coding change: c.386C>G on transcript NM_005097.4 (MANE Select); coding-DNA position 386, C replaced by G.
Protein change: p.Ser129Ter; replaces serine 129 with a stop codon.
Molecular consequence: nonsense. On other transcripts: intron variant (1).
Genome position (GRCh38, 1-based): chr10:93,777,572, C>G. VCF-style: chr10-93777572-C-G. GRCh37 (hg19) VCF-style: chr10-95537329-C-G.
Other names: c.386C>G, p.Ser129Ter (NM_001308275.2); c.288-12527C>G (NM_001308276.2); short protein forms S129*.
Identifiers: ClinVar variation 583153 (VCV000583153.8), dbSNP rs1564845068, ClinGen allele CA377621014.